The following is an entry in ClinVar:

NM_000166.6(GJB1):c.111_112dup (p.Val38fs)

Gene: GJB1 (gap junction protein beta 1; plus strand). Cytogenetic location: Xq13.1.
Variant type: Duplication.
Coding change: c.111_112dup on transcript NM_000166.6 (MANE Select); coding-DNA positions 111 to 112, 2 bases duplicated (GG; older notation c.111_112dupGG).
Protein change: p.Val38fs; shifts the reading frame from valine 38.
Molecular consequence: frameshift variant.
Genome position (GRCh38, 1-based): chrX:71,223,818-71,223,819, GG duplicated. VCF-style (leftmost placement, unchanged base first): chrX-71223817-T-TGG. GRCh37 (hg19) VCF-style: chrX-70443667-T-TGG.
Other names: c.111_112dup, p.Val38fs (NM_001097642.3); short protein forms V38fs.
Identifiers: ClinVar variation 943937 (VCV000943937.7), dbSNP rs2092542575, ClinGen allele CA1139667644.

ClinVar aggregate classification (germline): Pathogenic (1 of 4 stars; one submission).

Conditions:
Charcot-Marie-Tooth Neuropathy X. Identifiers: MedGen CN118851.

Submission:

Labcorp Genetics (formerly Invitae), Labcorp
Classification: Pathogenic for Charcot-Marie-Tooth Neuropathy X. Last evaluated: 2021-11-30. Review status: criteria provided, single submitter. Criteria: Invitae Variant Classification Sherloc (09022015). Collection method: clinical testing. Allele origin: germline.
Comment: This sequence change creates a premature translational stop signal (p.Val38Glyfs*47) in the GJB1 gene. While this is not anticipated to result in nonsense mediated decay, it is expected to disrupt the last 246 amino acid(s) of the GJB1 protein. This variant is not present in population databases (gnomAD no frequency). This variant has not been reported in the literature in individuals affected with GJB1-related conditions. ClinVar contains an entry for this variant (Variation ID: 943937). This variant disrupts a region of the GJB1 protein in which other variant(s) (p.Arg220*, p.Ser258Profs*2, p.Asn175Lysfs*68) have been determined to be pathogenic (Invitae). This suggests that this is a clinically significant region of the protein, and that variants that disrupt it are likely to be disease-causing. For these reasons, this variant has been classified as Pathogenic.